The following continues an entry in ClinVar:

NM_006231.4(POLE):c.91G>T (p.Ala31Ser)

Gene: POLE. ClinVar aggregate classification (germline): Benign/Likely benign. Benign (14); Likely benign (1).

Submissions 59 to 81 of 81:

Dr. Peter K. Rogan Lab, Western University
No classification provided (evidence only). Condition: Hepatocellular carcinoma. Review status: no classification provided. Collection method: in vitro. Allele origin: not applicable. Functional consequence: retained intron. Not counted in ClinVar's aggregate classification.

Dr. Peter K. Rogan Lab, Western University
No classification provided (evidence only). Condition: Nonpapillary renal cell carcinoma. Review status: no classification provided. Collection method: in vitro. Allele origin: not applicable. Functional consequence: retained intron. Not counted in ClinVar's aggregate classification.

Dr. Peter K. Rogan Lab, Western University
No classification provided (evidence only). Condition: Thymoma. Review status: no classification provided. Collection method: in vitro. Allele origin: not applicable. Functional consequence: retained intron. Not counted in ClinVar's aggregate classification.

Dr. Peter K. Rogan Lab, Western University
No classification provided (evidence only). Condition: Cholangiocarcinoma. Review status: no classification provided. Collection method: in vitro. Allele origin: not applicable. Functional consequence: retained intron. Not counted in ClinVar's aggregate classification.

Dr. Peter K. Rogan Lab, Western University
No classification provided (evidence only). Condition: Cholangiocarcinoma. Review status: no classification provided. Collection method: in vitro. Allele origin: not applicable. Functional consequence: retained intron. Not counted in ClinVar's aggregate classification.

Dr. Peter K. Rogan Lab, Western University
No classification provided (evidence only). Condition: Cholangiocarcinoma. Review status: no classification provided. Collection method: in vitro. Allele origin: not applicable. Functional consequence: retained intron. Not counted in ClinVar's aggregate classification.

Dr. Peter K. Rogan Lab, Western University
No classification provided (evidence only). Condition: Ovarian serous cystadenocarcinoma. Review status: no classification provided. Collection method: in vitro. Allele origin: not applicable. Functional consequence: retained intron. Not counted in ClinVar's aggregate classification.

Dr. Peter K. Rogan Lab, Western University
No classification provided (evidence only). Condition: Ovarian serous cystadenocarcinoma. Review status: no classification provided. Collection method: in vitro. Allele origin: not applicable. Functional consequence: retained intron. Not counted in ClinVar's aggregate classification.

Dr. Peter K. Rogan Lab, Western University
No classification provided (evidence only). Condition: Ovarian serous cystadenocarcinoma. Review status: no classification provided. Collection method: in vitro. Allele origin: not applicable. Functional consequence: retained intron. Not counted in ClinVar's aggregate classification.

Dr. Peter K. Rogan Lab, Western University
No classification provided (evidence only). Condition: Ovarian serous cystadenocarcinoma. Review status: no classification provided. Collection method: in vitro. Allele origin: not applicable. Functional consequence: retained intron. Not counted in ClinVar's aggregate classification.

Dr. Peter K. Rogan Lab, Western University
No classification provided (evidence only). Condition: Ovarian serous cystadenocarcinoma. Review status: no classification provided. Collection method: in vitro. Allele origin: not applicable. Functional consequence: retained intron. Not counted in ClinVar's aggregate classification.

Dr. Peter K. Rogan Lab, Western University
No classification provided (evidence only). Condition: Ovarian serous cystadenocarcinoma. Review status: no classification provided. Collection method: in vitro. Allele origin: not applicable. Functional consequence: retained intron. Not counted in ClinVar's aggregate classification.

Dr. Peter K. Rogan Lab, Western University
No classification provided (evidence only). Condition: Ovarian serous cystadenocarcinoma. Review status: no classification provided. Collection method: in vitro. Allele origin: not applicable. Functional consequence: retained intron. Not counted in ClinVar's aggregate classification.

Dr. Peter K. Rogan Lab, Western University
No classification provided (evidence only). Condition: Gastric cancer. Review status: no classification provided. Collection method: in vitro. Allele origin: not applicable. Functional consequence: retained intron. Not counted in ClinVar's aggregate classification.

Dr. Peter K. Rogan Lab, Western University
No classification provided (evidence only). Condition: Malignant tumor of esophagus. Review status: no classification provided. Collection method: in vitro. Allele origin: not applicable. Functional consequence: retained intron. Not counted in ClinVar's aggregate classification.

Dr. Peter K. Rogan Lab, Western University
No classification provided (evidence only). Condition: Malignant tumor of esophagus. Review status: no classification provided. Collection method: in vitro. Allele origin: not applicable. Functional consequence: retained intron. Not counted in ClinVar's aggregate classification.

Dr. Peter K. Rogan Lab, Western University
No classification provided (evidence only). Condition: Malignant tumor of esophagus. Review status: no classification provided. Collection method: in vitro. Allele origin: not applicable. Functional consequence: retained intron. Not counted in ClinVar's aggregate classification.

Dr. Peter K. Rogan Lab, Western University
No classification provided (evidence only). Condition: Malignant tumor of esophagus. Review status: no classification provided. Collection method: in vitro. Allele origin: not applicable. Functional consequence: retained intron. Not counted in ClinVar's aggregate classification.

Dr. Peter K. Rogan Lab, Western University
No classification provided (evidence only). Condition: Malignant tumor of esophagus. Review status: no classification provided. Collection method: in vitro. Allele origin: not applicable. Functional consequence: retained intron. Not counted in ClinVar's aggregate classification.

Genome Diagnostics Laboratory, Amsterdam University Medical Center
Classification: Benign. Review status: no assertion criteria provided. Collection method: clinical testing. Allele origin: germline. Affected: yes. Study: VKGL Data-share Consensus. Not counted in ClinVar's aggregate classification.

Genome Diagnostics Laboratory, University Medical Center Utrecht
Classification: Likely benign. Review status: no assertion criteria provided. Collection method: clinical testing. Allele origin: germline. Affected: yes. Study: VKGL Data-share Consensus. Not counted in ClinVar's aggregate classification.

Joint Genome Diagnostic Labs from Nijmegen and Maastricht, Radboudumc and MUMC+
Classification: Benign. Review status: no assertion criteria provided. Collection method: clinical testing. Allele origin: germline. Affected: yes. Study: VKGL Data-share Consensus. Not counted in ClinVar's aggregate classification.

Laboratory of Diagnostic Genome Analysis, Leiden University Medical Center (LUMC)
Classification: Likely benign. Review status: no assertion criteria provided. Collection method: clinical testing. Allele origin: germline. Affected: yes. Study: VKGL Data-share Consensus. Not counted in ClinVar's aggregate classification.